The following is an entry in ClinVar:

ClinVar aggregate classification (germline): Uncertain significance (1 of 4 stars; one submission).

Submission:

Labcorp Genetics (formerly Invitae), Labcorp
Classification: Uncertain significance. Last evaluated: 2023-12-13. Review status: criteria provided, single submitter. Criteria: Invitae Variant Classification Sherloc (09022015). Collection method: clinical testing. Allele origin: germline.
Comment: This sequence change replaces glycine, which is neutral and non-polar, with serine, which is neutral and polar, at codon 263 of the NAA15 protein (p.Gly263Ser). This variant is present in population databases (no rsID available, gnomAD 0.0009%). This variant has not been reported in the literature in individuals affected with NAA15-related conditions. An algorithm developed to predict the effect of missense changes on protein structure and function (PolyPhen-2) suggests that this variant is likely to be disruptive. In summary, the available evidence is currently insufficient to determine the role of this variant in disease. Therefore, it has been classified as a Variant of Uncertain Significance.

NM_057175.5(NAA15):c.787G>A (p.Gly263Ser)

Gene: NAA15 (N-alpha-acetyltransferase 15, NatA auxiliary subunit; plus strand). Cytogenetic location: 4q31.1.
Variant type: single nucleotide variant.
Coding change: c.787G>A on transcript NM_057175.5 (MANE Select); coding-DNA position 787, G replaced by A.
Protein change: p.Gly263Ser; replaces glycine 263 with serine.
Molecular consequence: missense variant.
Genome position (GRCh38, 1-based): chr4:139,349,557, G>A. VCF-style: chr4-139349557-G-A. GRCh37 (hg19) VCF-style: chr4-140270711-G-A.
Other names: c.787G>A, p.Gly263Ser (NM_001410842.1, NM_025085.2); short protein forms G263S.
Identifiers: ClinVar variation 3015494 (VCV003015494.3), dbSNP rs780286609, ClinGen allele CA106711645.